The following is an entry in ClinVar:

ClinVar aggregate classification (germline): Uncertain significance (1 of 4 stars; one submission).

Conditions:
DST-related disorder. Also called: DST-related disorders; DST-related condition.

Submission:

PreventionGenetics, part of Exact Sciences
Classification: Uncertain significance for DST-related condition. Last evaluated: 2026-07-08. Review status: criteria provided, single submitter. Criteria: ACMG Guidelines, 2015. Collection method: clinical testing. Allele origin: germline.
Comment: The DST c.14323A>T variant is predicted to result in the amino acid substitution p.Ser4775Cys. To our knowledge, this variant has not been reported in the literature or in a large population database (gnomAD), indicating this variant is rare. At this time, the clinical significance of this variant is uncertain due to the absence of conclusive functional and genetic evidence.

NM_001374736.1(DST):c.20680A>T (p.Ser6894Cys)

Gene: DST (dystonin; minus strand). Cytogenetic location: 6p12.1.
Variant type: single nucleotide variant.
Coding change: c.20680A>T on transcript NM_001374736.1 (MANE Select); coding-DNA position 20680, A replaced by T.
Protein change: p.Ser6894Cys; replaces serine 6894 with cysteine.
Molecular consequence: missense variant.
Genome position (GRCh38, 1-based): chr6:56,492,304, T>A on the plus strand (A>T on the coding strand, the complement: DST is on the minus strand). VCF-style: chr6-56492304-T-A. GRCh37 (hg19) VCF-style: chr6-56357102-T-A.
Other names: c.14323A>T, p.Ser4775Cys (NM_001144769.5); c.13909A>T, p.Ser4637Cys (NM_001144770.2); c.20680A>T, p.Ser6894Cys (NM_001374722.1); c.19720A>T, p.Ser6574Cys (NM_001374729.1); c.13462A>T, p.Ser4488Cys (NM_001374730.1); c.20707A>T, p.Ser6903Cys (NM_001374734.1); c.13789A>T, p.Ser4597Cys (NM_001386100.1, NM_183380.4); c.12811A>T, p.Ser4271Cys (NM_015548.5); short protein forms S4775C, S6574C, S6903C, S4488C, S4637C, S6894C, S4271C, S4597C.
Identifiers: ClinVar variation 4996185 (VCV004996185.1).